The following is an entry in ClinVar:

NM_020971.3(SPTBN4):c.1514G>A (p.Arg505Gln)

Gene: SPTBN4 (spectrin beta, non-erythrocytic 4; plus strand). Cytogenetic location: 19q13.2.
Variant type: single nucleotide variant.
Coding change: c.1514G>A on transcript NM_020971.3 (MANE Select); coding-DNA position 1514, G replaced by A.
Protein change: p.Arg505Gln; replaces arginine 505 with glutamine.
Molecular consequence: missense variant.
Genome position (GRCh38, 1-based): chr19:40,503,981, G>A. VCF-style: chr19-40503981-G-A. GRCh37 (hg19) VCF-style: chr19-41009888-G-A.
Other names: short protein forms R505Q.
Identifiers: ClinVar variation 2210013 (VCV002210013.4), dbSNP rs758315937, ClinGen allele CA9445662.

ClinVar aggregate classification (germline): Uncertain significance. Review status: criteria provided, multiple submitters, no conflicts (2 of 4 stars). 2 submissions from 2 submitters: Uncertain significance (2). Last evaluated 2025-06-20.

Conditions:
Inborn genetic diseases. Identifiers: MedGen C0950123, MeSH D030342.

Allele frequency attached by ClinVar (database versions not stated): ExAC 0.00002; gnomAD exomes 0.00001; TOPMed below 0.00001.
gnomAD v4.1: 14 of 1,613,962 alleles (0.00087%); highest among the groups gnomAD compares: Admixed American, 0.005%; no homozygotes.

Submissions (2):

Dasa
Classification: Uncertain significance. Last evaluated: 2025-06-20. Review status: criteria provided, single submitter. Criteria: DASA Assertion Criteria. Collection method: clinical testing. Allele origin: germline.
Comment: NM_020971.3(SPTBN4):c.1514G>A (p.Arg505Gln) is a missense variant that results in the substitution of arginine with glutamine. This variant is rare in population databases. Computational prediction algorithms are consistent with a benign effect. The currently available literature and clinical evidence are not sufficient to establish a definitive association between this variant and the reported condition. Therefore, this variant is classified as a variant of uncertain significance.

Ambry Genetics
Classification: Uncertain significance for Inborn genetic diseases. Last evaluated: 2021-06-15. Review status: criteria provided, single submitter. Criteria: Ambry Variant Classification Scheme 2023. Collection method: clinical testing. Allele origin: germline.